The following is an entry in ClinVar:

ClinVar aggregate classification (germline): Uncertain significance (1 of 4 stars; one submission).

Conditions:
Peroxisome biogenesis disorder 2B (PBD2B). Identifiers: Orphanet 44, MedGen C3550234, MONDO:0008736, OMIM 202370.

Submission:

Labcorp Genetics (formerly Invitae), Labcorp
Classification: Uncertain significance for Peroxisome biogenesis disorder 2B. Last evaluated: 2022-09-01. Review status: criteria provided, single submitter. Criteria: Invitae Variant Classification Sherloc (09022015). Collection method: clinical testing. Allele origin: germline.
Comment: In summary, the available evidence is currently insufficient to determine the role of this variant in disease. Therefore, it has been classified as a Variant of Uncertain Significance. Experimental studies and prediction algorithms are not available or were not evaluated, and the functional significance of this variant is currently unknown. This variant has not been reported in the literature in individuals affected with PEX5-related conditions. This variant is not present in population databases (gnomAD no frequency). This variant, c.985_987del, results in the deletion of 1 amino acid(s) of the PEX5 protein (p.Glu329del), but otherwise preserves the integrity of the reading frame.

NM_001351132.2(PEX5):c.979GAG[2] (p.Glu329del)

Gene: PEX5 (peroxisomal biogenesis factor 5; plus strand). Cytogenetic location: 12p13.31.
Variant type: Microsatellite.
Coding change: c.979GAG[2] on transcript NM_001351132.2 (MANE Select); two copies in a row of the 3-base unit GAG starting at c.979; the reference has three copies in a row; one copy, 3 bases deleted.
Protein change: p.Glu329del; deletes glutamic acid 329.
Molecular consequence: inframe deletion.
Genome position (GRCh38, 1-based): chr12:7,207,677-7,207,679, GAG deleted; deleting any 3 consecutive bases within chr12:7,207,671-7,207,679 gives the same sequence; the position shown is the placement nearest the transcript's 3' end. VCF-style (leftmost placement, unchanged base first): chr12-7207670-TGAG-T. GRCh37 (hg19) VCF-style: chr12-7360266-TGAG-T.
Other names: c.955GAG[2], p.Glu321del (NM_000319.5); c.1024GAG[2], p.Glu344del (NM_001131023.2); c.868GAG[2], p.Glu292del (NM_001131024.2, NM_001351137.3, NM_001374645.1 and 7 more transcripts); c.979GAG[2], p.Glu329del (NM_001131025.2, NM_001131026.2, NM_001300789.3 and 4 more transcripts); c.970GAG[2], p.Glu326del (NM_001351136.2); c.913GAG[2], p.Glu307del (NM_001351138.2, NM_001351135.3); c.844GAG[2], p.Glu284del (NM_001351139.2, NM_001351140.2, NM_001374649.2); short protein forms E321del, E307del, E326del, E329del, E284del, E292del, E344del.
Identifiers: ClinVar variation 2087114 (VCV002087114.4), dbSNP rs1189693990, ClinGen allele CA691583209.